The following is an entry in ClinVar:

ClinVar aggregate classification (germline): Uncertain significance (1 of 4 stars; one submission).

Conditions:
Cystic fibrosis (CF). Also called: MUCOVISCIDOSIS. Identifiers: Orphanet 586, MedGen C0010674, MONDO:0009061, OMIM 219700. Disease mechanism: loss of function.

Submission:

Ambry Genetics
Classification: Uncertain significance for Cystic fibrosis. Last evaluated: 2024-06-07. Review status: criteria provided, single submitter. Criteria: Ambry Variant Classification Scheme 2023. Collection method: clinical testing. Allele origin: germline.
Comment: The p.L702P variant (also known as c.2105T>C), located in coding exon 14 of the CFTR gene, results from a T to C substitution at nucleotide position 2105. The leucine at codon 702 is replaced by proline, an amino acid with similar properties. This amino acid position is conserved. In addition, this alteration is predicted to be deleterious by in silico analysis. Based on the available evidence, the clinical significance of this variant remains unclear.

NM_000492.4(CFTR):c.2105T>C (p.Leu702Pro)

Gene: CFTR (CF transmembrane conductance regulator; plus strand). Cytogenetic location: 7q31.2.
Variant type: single nucleotide variant.
Coding change: c.2105T>C on transcript NM_000492.4 (MANE Select); coding-DNA position 2105, T replaced by C.
Protein change: p.Leu702Pro; replaces leucine 702 with proline.
Molecular consequence: missense variant.
Genome position (GRCh38, 1-based): chr7:117,592,272, T>C. VCF-style: chr7-117592272-T-C. GRCh37 (hg19) VCF-style: chr7-117232326-T-C.
Other names: short protein forms L702P.
Identifiers: ClinVar variation 3266696 (VCV003266696.1).